The following is an entry in ClinVar:

ClinVar aggregate classification (germline): Benign. Review status: criteria provided, multiple submitters, no conflicts (2 of 4 stars). 2 submissions from 2 submitters: Benign (2). Last evaluated 2026-09-21.

Submissions (2):

Molecular Diagnostic Laboratory for Inherited Cardiovascular Disease, Montreal Heart Institute
Classification: Benign. Last evaluated: 2026-09-21. Review status: criteria provided, single submitter. Criteria: ACMG Guidelines, 2015. Collection method: clinical testing. Allele origin: germline. Affected: no.
Comment: BA1

GeneDx
Classification: Benign. Last evaluated: 2019-11-19. Review status: criteria provided, single submitter. Criteria: GeneDx Variant Classification Process June 2021. Collection method: clinical testing. Allele origin: germline. Affected: yes.

NM_001035.3(RYR2):c.11092-26dup

Gene: RYR2 (ryanodine receptor 2; plus strand). Cytogenetic location: 1q43.
Variant type: Duplication.
Coding change: c.11092-26dup on transcript NM_001035.3 (MANE Select); 26 bases into the intron before coding-DNA position 11092, one base duplicated (C; older notation c.11092-26dupC).
Molecular consequence: intron variant.
Genome position (GRCh38, 1-based): chr1:237,742,270, C duplicated; the last of 2 consecutive C bases (chr1:237,742,269-237,742,270); duplicating either gives the same sequence. VCF-style (leftmost placement, unchanged base first): chr1-237742268-T-TC. GRCh37 (hg19) VCF-style: chr1-237905568-T-TC.
Other names: c.11092-26dup (NM_001035.2).
Identifiers: ClinVar variation 1260294 (VCV001260294.3), dbSNP rs35446101, ClinGen allele CA1474956.